The following is an entry in ClinVar:

ClinVar aggregate classification (germline): Benign/Likely benign. Review status: criteria provided, multiple submitters, no conflicts (2 of 4 stars). 6 submissions from 6 submitters: Benign (2); Likely benign (3). 1 of the submissions does not count toward it. Last evaluated 2026-06-01.

Conditions:
Inborn genetic diseases. Identifiers: MedGen C0950123, MeSH D030342.
DYRK1A-related intellectual disability syndrome (MRD7). Also called: DYRK1A Syndrome; Intellectual developmental disorder, autosomal dominant 7. Identifiers: Orphanet 464306, MedGen C5568143, MONDO:0013578, OMIM 614104.
DYRK1A-related disorder.

Allele frequency attached by ClinVar (database versions not stated): ExAC 0.00007; gnomAD exomes 0.00008; 1000 Genomes Project 30x 0.00016; 1000 Genomes Project 0.00020; ESP Exome Variant Server 0.00023; gnomAD 0.00042 and 0.00050; TOPMed 0.00046.
gnomAD v4.1: 110 of 1,612,224 alleles (0.0068%); highest among the groups gnomAD compares: African/African-American, 0.13%; no homozygotes.

Submissions (6):

CeGaT Center for Human Genetics Tuebingen
Classification: Likely benign. Last evaluated: 2026-06-01. Review status: criteria provided, single submitter. Criteria: CeGaT Center For Human Genetics Tuebingen Variant Classification Criteria Version 2. Collection method: clinical testing. Allele origin: germline. Affected: yes. Observed: 1 variant allele.
Comment: DYRK1A: BP4, BP7, BS1

Labcorp Genetics (formerly Invitae), Labcorp
Classification: Benign for DYRK1A-related intellectual disability syndrome. Last evaluated: 2026-01-21. Review status: criteria provided, single submitter. Criteria: Invitae Variant Classification Sherloc (09022015). Collection method: clinical testing. Allele origin: germline.

Blueprint Genetics
Classification: Likely benign. Last evaluated: 2024-08-12. Review status: criteria provided, single submitter. Criteria: ACMG Guidelines, 2015. Collection method: clinical testing. Allele origin: germline.

GeneDx
Classification: Benign. Last evaluated: 2020-03-19. Review status: criteria provided, single submitter. Criteria: GeneDx Variant Classification Process June 2021. Collection method: clinical testing. Allele origin: germline. Affected: yes.

Ambry Genetics
Classification: Likely benign for Inborn genetic diseases. Last evaluated: 2017-05-31. Review status: criteria provided, single submitter. Criteria: Ambry Variant Classification Scheme 2023. Collection method: clinical testing. Allele origin: germline.

PreventionGenetics, part of Exact Sciences
Classification: Likely benign for DYRK1A-related condition. Last evaluated: 2019-06-11. Review status: no assertion criteria provided. Collection method: clinical testing. Allele origin: germline. Not counted in ClinVar's aggregate classification.
Comment: This variant is classified as likely benign based on ACMG/AMP sequence variant interpretation guidelines (Richards et al. 2015 PMID: 25741868, with internal and published modifications).

NM_001347721.2(DYRK1A):c.1539C>T (p.Ser513=)

Gene: DYRK1A (dual specificity tyrosine phosphorylation regulated kinase 1A; plus strand). Cytogenetic location: 21q22.13.
Variant type: single nucleotide variant.
Coding change: c.1539C>T on transcript NM_001347721.2 (MANE Select); coding-DNA position 1539, C replaced by T.
Protein change: p.Ser513=; no amino-acid change (serine 513 retained).
Molecular consequence: synonymous variant. On other transcripts: intron variant (1).
Genome position (GRCh38, 1-based): chr21:37,506,118, C>T. VCF-style: chr21-37506118-C-T. GRCh37 (hg19) VCF-style: chr21-38878421-C-T.
Other names: c.1566C>T, p.Ser522= (NM_001396.5, NM_101395.2); c.1539C>T, p.Ser513= (NM_130436.2, NM_001347722.2); c.1546+529C>T (NM_130438.2); c.1452C>T, p.Ser484= (NM_001347723.2); c.1566C>T (NM_001396.4).
Identifiers: ClinVar variation 384143 (VCV000384143.23), dbSNP rs113110833, ClinGen allele CA10024002.
Genomic context (GRCh38, chr21:37,506,118, plus strand): 5'-TTAAACTCACAGTTGTATTGTTTTGTGTTGTGATATTTCAGGTGGCTCATCGGGGACAAG[C>T]AACAGTGGGAGAGCCCGGTCGGATCCGACGCACCAGCATCGGCACAGTGGTGGGCACTTC-3'
Protein context (NP_001334650.1, residues 503-523): SSSSGGSSGT[Ser513=]NSGRARSDPT